The following is an entry in ClinVar:

ClinVar aggregate classification (germline): Uncertain significance (1 of 4 stars; one submission).

Conditions:
NR0B2-related disorder. Also called: NR0B2-related condition.

gnomAD v4.1: 2 of 1,614,148 alleles (0.00012%); highest among the groups gnomAD compares: South Asian, 0.0022%; no homozygotes.

Submission:

PreventionGenetics, part of Exact Sciences
Classification: Uncertain significance for NR0B2-related condition. Last evaluated: 2024-11-15. Review status: criteria provided, single submitter. Criteria: ACMG Guidelines, 2015. Collection method: clinical testing. Allele origin: germline.
Comment: The NR0B2 c.737T>C variant is predicted to result in the amino acid substitution p.Ile246Thr. To our knowledge, this variant has not been reported in the literature or in a large population database (gnomAD), indicating this variant is rare. At this time, the clinical significance of this variant is uncertain due to the absence of conclusive functional and genetic evidence.

NM_021969.3(NR0B2):c.737T>C (p.Ile246Thr)

Genes: NR0B2 (nuclear receptor subfamily 0 group B member 2; minus strand), NUDC (nuclear distribution C, dynein complex regulator; plus strand). Cytogenetic location: 1p36.11.
Variant type: single nucleotide variant.
Coding change: c.737T>C on transcript NM_021969.3 (MANE Select); coding-DNA position 737, T replaced by C.
Protein change: p.Ile246Thr; replaces isoleucine 246 with threonine.
Molecular consequence: missense variant.
Genome position (GRCh38, 1-based): chr1:26,911,882, A>G on the plus strand (T>C on the coding strand, the complement: NR0B2 is on the minus strand). VCF-style: chr1-26911882-A-G. GRCh37 (hg19) VCF-style: chr1-27238373-A-G.
Other names: short protein forms I246T.
Identifiers: ClinVar variation 5000999 (VCV005000999.1).